The following is an entry in ClinVar:

NM_004304.5(ALK):c.1663C>T (p.Leu555Phe)

Gene: ALK (ALK receptor tyrosine kinase; minus strand). Cytogenetic location: 2p23.2.
Variant type: single nucleotide variant.
Coding change: c.1663C>T on transcript NM_004304.5 (MANE Select); coding-DNA position 1663, C replaced by T.
Protein change: p.Leu555Phe; replaces leucine 555 with phenylalanine.
Molecular consequence: missense variant.
Genome position (GRCh38, 1-based): chr2:29,297,042, G>A on the plus strand (C>T on the coding strand, the complement: ALK is on the minus strand). VCF-style: chr2-29297042-G-A. GRCh37 (hg19) VCF-style: chr2-29519908-G-A.
Other names: short protein forms L555F.
Identifiers: ClinVar variation 1024513 (VCV001024513.13), dbSNP rs769229444, ClinGen allele CA1594565.

ClinVar aggregate classification (germline): Uncertain significance. Review status: criteria provided, multiple submitters, no conflicts (2 of 4 stars). 4 submissions from 4 submitters: Uncertain significance (4). Last evaluated 2026-01-06.

Conditions:
Neuroblastoma, susceptibility to, 3. Also called: ALK-Related Neuroblastic Tumor Susceptibility. Identifiers: Orphanet 635, MedGen C2751681, MONDO:0013083, OMIM 613014.
Hereditary cancer-predisposing syndrome. Also called: Hereditary neoplastic syndrome; Neoplastic Syndromes, Hereditary; Tumor predisposition; Hereditary Cancer Syndrome. Identifiers: Orphanet 140162, MedGen C0027672, MeSH D009386, MONDO:0015356.

Allele frequency attached by ClinVar (database versions not stated): TOPMed below 0.00001; gnomAD exomes 0.00001 and 0.00002; ExAC 0.00003.
gnomAD v4.1: 5 of 1,614,204 alleles (0.00031%); highest among the groups gnomAD compares: Admixed American, 0.0083%; no homozygotes.

Submissions (4):

Labcorp Genetics (formerly Invitae), Labcorp
Classification: Uncertain significance for Neuroblastoma, susceptibility to, 3. Last evaluated: 2026-01-06. Review status: criteria provided, single submitter. Criteria: Invitae Variant Classification Sherloc (09022015). Collection method: clinical testing. Allele origin: germline.
Comment: This sequence change replaces leucine, which is neutral and non-polar, with phenylalanine, which is neutral and non-polar, at codon 555 of the ALK protein (p.Leu555Phe). This variant is present in population databases (rs769229444, gnomAD 0.01%). This variant has not been reported in the literature in individuals affected with ALK-related conditions. ClinVar contains an entry for this variant (Variation ID: 1024513). An algorithm developed to predict the effect of missense changes on protein structure and function (PolyPhen-2) suggests that this variant is likely to be tolerated. In summary, the available evidence is currently insufficient to determine the role of this variant in disease. Therefore, it has been classified as a Variant of Uncertain Significance.

St. Jude Molecular Pathology, St. Jude Children's Research Hospital
Classification: Uncertain significance for Neuroblastoma, susceptibility to, 3. Last evaluated: 2025-06-17. Review status: criteria provided, single submitter. Criteria: St. Jude Assertion Criteria 2020. Collection method: clinical testing. Allele origin: germline.
Comment: The ALK c.1663C>T p.(Leu555Phe) missense change has a maximum subpopulation frequency of 0.01% in gnomAD v2.1.1. The in silico tool REVEL predicts a benign effect on protein function, but to our knowledge this prediction has not been confirmed by functional studies. To our knowledge, this variant has not been reported in individuals with ALK-related neuroblastic tumor susceptibility. In summary, the evidence currently available is insufficient to determine the clinical significance of this variant. It has therefore been classified as of uncertain significance.

Ambry Genetics
Classification: Uncertain significance for Hereditary cancer-predisposing syndrome. Last evaluated: 2024-11-02. Review status: criteria provided, single submitter. Criteria: Ambry Variant Classification Scheme 2023. Collection method: clinical testing. Allele origin: germline.
Comment: The p.L555F variant (also known as c.1663C>T), located in coding exon 9 of the ALK gene, results from a C to T substitution at nucleotide position 1663. The leucine at codon 555 is replaced by phenylalanine, an amino acid with highly similar properties. This amino acid position is conserved. In addition, this alteration is predicted to be tolerated by in silico analysis. Since supporting evidence is limited at this time, the clinical significance of this alteration remains unclear.

Baylor Genetics
Classification: Uncertain significance for Neuroblastoma, susceptibility to, 3. Last evaluated: 2023-07-06. Review status: criteria provided, single submitter. Criteria: ACMG Guidelines, 2015. Collection method: clinical testing. Allele origin: unknown.